The following is an entry in ClinVar:

NM_000206.3(IL2RG):c.292A>G (p.Lys98Glu)

Gene: IL2RG (interleukin 2 receptor subunit gamma; minus strand). Cytogenetic location: Xq13.1.
Variant type: single nucleotide variant.
Coding change: c.292A>G on transcript NM_000206.3 (MANE Select); coding-DNA position 292, A replaced by G.
Protein change: p.Lys98Glu; replaces lysine 98 with glutamic acid.
Molecular consequence: missense variant.
Genome position (GRCh38, 1-based): chrX:71,110,666, T>C on the plus strand (A>G on the coding strand, the complement: IL2RG is on the minus strand). VCF-style: chrX-71110666-T-C. GRCh37 (hg19) VCF-style: chrX-70330516-T-C.
Other names: NM_000206.3(IL2RG):c.292A>G; p.Lys98Glu; short protein forms K98E.
Identifiers: ClinVar variation 804024 (VCV000804024.5), dbSNP rs776710796, ClinGen allele CA10443891.

ClinVar aggregate classification (germline): Uncertain significance. Review status: reviewed by expert panel (3 of 4 stars). 3 submissions from 3 submitters: Uncertain significance (1). 2 of the submissions do not count toward it. Last evaluated 2024-01-10.

Conditions:
X-linked severe combined immunodeficiency (SCIDX1). Also called: T-B+ severe combined immunodeficiency due to gamma chain deficiency; SCID, X-LINKED; SEVERE COMBINED IMMUNODEFICIENCY, X-LINKED, T CELL-NEGATIVE, B CELL-POSITIVE, NK CELL-NEGATIVE; IMMUNODEFICIENCY 4; X-Linked Combined Immunodeficiency Diseases. Identifiers: Orphanet 276, MedGen C6022468, MONDO:0010315, OMIM 300400. Disease mechanism: loss of function.

Allele frequency attached by ClinVar (database versions not stated): ExAC 0.00001; gnomAD 0.00002; gnomAD exomes 0.00002 and 0.00005; TOPMed 0.00005.
gnomAD v4.1: 56 of 1,207,750 alleles (0.0046%); highest among the groups gnomAD compares: Non-Finnish European, 0.0062%; no homozygotes.

Submissions (3):

ClinGen Severe Combined Immunodeficiency Variant Curation Expert Panel, ClinGen
Classification: Uncertain significance for X-linked severe combined immunodeficiency. Last evaluated: 2024-01-10. Review status: reviewed by expert panel. Criteria: ClinGen SCID ACMG Specifications IL2RG V1.0.0. Collection method: curation. Allele origin: germline. Inheritance: X-linked inheritance.
Comment: NM_000206.3(IL2RG):c.292A>G is a missense variant predicted to cause substitution of Lysine by Glutamic Acid at amino acid 98 (p.Lys98Glu). The filtering allele frequency (the upper threshold of the 95% CI of 55/893392) of the 292A>G variant in IL2RG is 0.00004918 for European Non-Finnish chromosomes by gnomAD v4, which is lower than the ClinGen SCID VCEP threshold (<0.000124 ) for PM2_Supporting. However, 14 hemizygotes have been observed in gnomAD. (PM2_not met). In summary, this variant meets the criteria to be classified as a variant of uncertain significance for X-linked severe combined immunodeficiency due to IL2RG deficiency based on the ACMG/AMP criteria applied, as specified by the ClinGen SCID VCEP: PP4_Moderate (VCEP specifications version 1).

Labcorp Genetics (formerly Invitae), Labcorp
Classification: Uncertain significance for X-linked severe combined immunodeficiency. Last evaluated: 2023-07-13. Review status: criteria provided, single submitter. Criteria: Invitae Variant Classification Sherloc (09022015). Collection method: clinical testing. Allele origin: germline. Not counted in ClinVar's aggregate classification.
Comment: This missense change has been observed in individual(s) with severe combined immunodeficiency (PMID: 10794430). This variant is present in population databases (rs776710796, gnomAD 0.004%). This sequence change replaces lysine, which is basic and polar, with glutamic acid, which is acidic and polar, at codon 98 of the IL2RG protein (p.Lys98Glu). ClinVar contains an entry for this variant (Variation ID: 804024). Advanced modeling of protein sequence and biophysical properties (such as structural, functional, and spatial information, amino acid conservation, physicochemical variation, residue mobility, and thermodynamic stability) performed at Invitae indicates that this missense variant is not expected to disrupt IL2RG protein function. In summary, the available evidence is currently insufficient to determine the role of this variant in disease. Therefore, it has been classified as a Variant of Uncertain Significance.

Mendelics
Classification: Likely pathogenic for X-linked severe combined immunodeficiency. Last evaluated: 2019-05-28. Review status: criteria provided, single submitter. Criteria: Mendelics Assertion Criteria 2017. Collection method: clinical testing. Allele origin: unknown. Not counted in ClinVar's aggregate classification.

Literature cited by the submitters: PubMed 10794430 (cited by Labcorp Genetics (formerly Invitae), Labcorp).